The following is an entry in ClinVar:

NM_000264.5(PTCH1):c.1921C>T (p.Pro641Ser)

Genes: PTCH1 (patched 1; minus strand), LOC100507346 (uncharacterized LOC100507346; plus strand). Cytogenetic location: 9q22.32.
Variant type: single nucleotide variant.
Coding change: c.1921C>T on transcript NM_000264.5 (MANE Select); coding-DNA position 1921, C replaced by T.
Protein change: p.Pro641Ser; replaces proline 641 with serine.
Molecular consequence: missense variant. On other transcripts: non-coding transcript variant (2).
Genome position (GRCh38, 1-based): chr9:95,469,080, G>A on the plus strand (C>T on the coding strand, the complement: PTCH1 is on the minus strand). VCF-style: chr9-95469080-G-A. GRCh37 (hg19) VCF-style: chr9-98231362-G-A.
Other names: c.1723C>T, p.Pro575Ser (NM_001083602.3); c.1918C>T, p.Pro640Ser (NM_001083603.3); c.1468C>T, p.Pro490Ser (NM_001083604.3, NM_001083605.3, NM_001083606.3 and 1 more transcripts); c.1765C>T, p.Pro589Ser (NM_001354918.2); short protein forms P490S, P640S, P641S, P589S, P575S.
Identifiers: ClinVar variation 1782685 (VCV001782685.2), dbSNP rs1840314820, ClinGen allele CA374116043.

ClinVar aggregate classification (germline): Uncertain significance (1 of 4 stars; one submission).

Conditions:
Hereditary cancer-predisposing syndrome. Also called: Neoplastic Syndromes, Hereditary; Tumor predisposition; Hereditary Cancer Syndrome; Hereditary neoplastic syndrome. Identifiers: Orphanet 140162, MedGen C0027672, MeSH D009386, MONDO:0015356.

Submission:

Ambry Genetics
Classification: Uncertain significance for Hereditary cancer-predisposing syndrome. Last evaluated: 2022-02-03. Review status: criteria provided, single submitter. Criteria: Ambry Variant Classification Scheme 2023. Collection method: clinical testing. Allele origin: germline.
Comment: The p.P641S variant (also known as c.1921C>T), located in coding exon 14 of the PTCH1 gene, results from a C to T substitution at nucleotide position 1921. The proline at codon 641 is replaced by serine, an amino acid with similar properties. This amino acid position is conserved. In addition, the in silico prediction for this alteration is inconclusive. Since supporting evidence is limited at this time, the clinical significance of this alteration remains unclear.